The following is an entry in ClinVar:

NM_003079.5(SMARCE1):c.282G>A (p.Trp94Ter)

Gene: SMARCE1 (SWI/SNF related BAF chromatin remodeling complex subunit E1; minus strand). Cytogenetic location: 17q21.2.
Variant type: single nucleotide variant.
Coding change: c.282G>A on transcript NM_003079.5 (MANE Select); coding-DNA position 282, G replaced by A.
Protein change: p.Trp94Ter; replaces tryptophan 94 with a stop codon.
Molecular consequence: nonsense.
Genome position (GRCh38, 1-based): chr17:40,636,482, C>T on the plus strand (G>A on the coding strand, the complement: SMARCE1 is on the minus strand). VCF-style: chr17-40636482-C-T. GRCh37 (hg19) VCF-style: chr17-38792734-C-T.
Other names: short protein forms W94*.
Identifiers: ClinVar variation 4528332 (VCV004528332.1).

ClinVar aggregate classification (germline): Pathogenic (1 of 4 stars; one submission).

Conditions:
Familial meningioma. Also called: Meningioma, familial, susceptibility to. Identifiers: Orphanet 263662, MedGen C3551915, MONDO:0011789, OMIM 607174.

Submission:

Department of Medical Genetics, University of Tsukuba
Classification: Pathogenic for Familial meningioma. Last evaluated: 2025-08-28. Review status: criteria provided, single submitter. Criteria: ACMG Guidelines, 2015. Collection method: clinical testing. Allele origin: unknown. Inheritance: Autosomal dominant inheritance. Affected: yes. Observed: 1 variant allele, 1 heterozygote.
Comment: The NM_003079.5 c.282G>A, is a nonsense variant in SMARCE1 which is predicted to result in a premature stop codon at position 94, and likely results in an absent or disrupted protein product (SWI/SNF-related, matrix-associated, actin-dependent regulator of chromatin subfamily E member 1). This variant has never been reported in ClinVar. However, 16 other truncating variants of SMARCE1 had been reported as pathogenic for familial meningioma/hereditary cancer-predisposing syndrome in ClinVar. This variant is not present in gnomAD (PM2; version 2.1.1). In summary, this variant meets criteria to be classified as pathogenic for familial meningioma based on the ACMG/AMP criteria applied, as specified by the ClinGen FBN1 VCEP: ACMG: PVS1 PS4 PM2 PP3 PP4.